The following is an entry in ClinVar:

NM_006236.3(POU3F3):c.1285C>T (p.Pro429Ser)

Gene: POU3F3 (POU class 3 homeobox 3; plus strand). Cytogenetic location: 2q12.1.
Variant type: single nucleotide variant.
Coding change: c.1285C>T on transcript NM_006236.3 (MANE Select); coding-DNA position 1285, C replaced by T.
Protein change: p.Pro429Ser; replaces proline 429 with serine.
Molecular consequence: missense variant.
Genome position (GRCh38, 1-based): chr2:104,856,795, C>T. VCF-style: chr2-104856795-C-T. GRCh37 (hg19) VCF-style: chr2-105473253-C-T.
Other names: short protein forms P429S.
Identifiers: ClinVar variation 2446204 (VCV002446204.1), dbSNP rs1207885458, ClinGen allele CA348098624.
Genomic context (GRCh38, chr2:104,856,795, plus strand): 5'-AAGCGGACCTCTATCGAGGTGAGCGTCAAGGGCGCGCTGGAGAGCCACTTCCTCAAGTGC[C>T]CCAAGCCCTCCGCGCAGGAGATCACCAACCTGGCCGACAGCCTGCAGCTCGAGAAGGAGG-3'
Protein context (NP_006227.1, residues 419-439): GALESHFLKC[Pro429Ser]KPSAQEITNL

ClinVar aggregate classification (germline): Uncertain significance (1 of 4 stars; one submission).

gnomAD v4.1: 1 of 1,614,074 alleles (0.000062%); highest among the groups gnomAD compares: Non-Finnish European, 0.000085%; no homozygotes.

Submission:

GeneDx
Classification: Uncertain significance. Last evaluated: 2023-03-25. Review status: criteria provided, single submitter. Criteria: GeneDx Variant Classification Process June 2021. Collection method: clinical testing. Allele origin: germline. Affected: yes.
Comment: In silico analysis supports that this missense variant has a deleterious effect on protein structure/function; Has not been previously published as pathogenic or benign to our knowledge